The following is an entry in ClinVar:

NM_000161.3(GCH1):c.82C>T (p.Pro28Ser)

Genes: GCH1 (GTP cyclohydrolase 1; minus strand), LOC130055692 (ATAC-STARR-seq lymphoblastoid silent region 5776; plus strand). Cytogenetic location: 14q22.2.
Variant type: single nucleotide variant.
Coding change: c.82C>T on transcript NM_000161.3 (MANE Select); coding-DNA position 82, C replaced by T.
Protein change: p.Pro28Ser; replaces proline 28 with serine.
Molecular consequence: missense variant.
Genome position (GRCh38, 1-based): chr14:54,902,582, G>A on the plus strand (C>T on the coding strand, the complement: GCH1 is on the minus strand). VCF-style: chr14-54902582-G-A. GRCh37 (hg19) VCF-style: chr14-55369300-G-A.
Other names: c.82C>T, p.Pro28Ser (NM_001024024.2, NM_001024070.2, NM_001024071.2); short protein forms P28S.
Identifiers: ClinVar variation 2088570 (VCV002088570.4), dbSNP rs759709001, ClinGen allele CA7193681.

ClinVar aggregate classification (germline): Uncertain significance (1 of 4 stars; one submission).

Conditions:
Dystonia 5 (DRD). Also called: Dystonia, DOPA-responsive, with or without hyperphenylalaninemia; DYT-GCH1; GTP Cyclohydrolase 1-Deficient Dopa-Responsive Dystonia; DYSTONIA, PROGRESSIVE, WITH DIURNAL VARIATION; DYSTONIA-PARKINSONISM WITH DIURNAL FLUCTUATION. Identifiers: Orphanet 98808, MedGen C1851920, MONDO:0007495, OMIM 128230.
GTP cyclohydrolase I deficiency. Identifiers: MedGen C0268467, MONDO:0100184.

Allele frequency attached by ClinVar (database versions not stated): gnomAD exomes below 0.00001.
gnomAD v4.1: 1 of 1,493,976 alleles (0.000067%); highest among the groups gnomAD compares: Admixed American, 0.0024%; no homozygotes.

Submission:

Labcorp Genetics (formerly Invitae), Labcorp
Classification: Uncertain significance for GTP cyclohydrolase I deficiency; Dystonia 5. Last evaluated: 2025-10-22. Review status: criteria provided, single submitter. Criteria: Invitae Variant Classification Sherloc (09022015). Collection method: clinical testing. Allele origin: germline.
Comment: This sequence change replaces proline, which is neutral and non-polar, with serine, which is neutral and polar, at codon 28 of the GCH1 protein (p.Pro28Ser). This variant is present in population databases (rs759709001, gnomAD 0.007%). This variant has not been reported in the literature in individuals affected with GCH1-related conditions. ClinVar contains an entry for this variant (Variation ID: 2088570). Invitae Evidence Modeling of protein sequence and biophysical properties (such as structural, functional, and spatial information, amino acid conservation, physicochemical variation, residue mobility, and thermodynamic stability) indicates that this missense variant is not expected to disrupt GCH1 protein function with a negative predictive value of 95%. In summary, the available evidence is currently insufficient to determine the role of this variant in disease. Therefore, it has been classified as a Variant of Uncertain Significance.